The following is an entry in ClinVar:

ClinVar aggregate classification (germline): Uncertain significance. Review status: criteria provided, multiple submitters, no conflicts (2 of 4 stars). 2 submissions from 2 submitters: Uncertain significance (2). Last evaluated 2025-07-13.

Conditions:
Inborn genetic diseases. Identifiers: MedGen C0950123, MeSH D030342.
Camptomelic dysplasia (CMPD). Also called: CMPD1/SRA1; Campomelic Dysplasia. Identifiers: Orphanet 140, MedGen C1861922, MONDO:0007251, OMIM 114290.

Allele frequency attached by ClinVar (database versions not stated): gnomAD 0.00001; gnomAD exomes 0.00001; TOPMed 0.00001.

Submissions (2):

Labcorp Genetics (formerly Invitae), Labcorp
Classification: Uncertain significance for Camptomelic dysplasia. Last evaluated: 2025-07-13. Review status: criteria provided, single submitter. Criteria: Invitae Variant Classification Sherloc (09022015). Collection method: clinical testing. Allele origin: germline.
Comment: This sequence change replaces alanine, which is neutral and non-polar, with threonine, which is neutral and polar, at codon 481 of the SOX9 protein (p.Ala481Thr). The frequency data for this variant in the population databases is considered unreliable, as metrics indicate poor data quality at this position in the gnomAD database. This variant has not been reported in the literature in individuals affected with SOX9-related conditions. ClinVar contains an entry for this variant (Variation ID: 3167829). Invitae Evidence Modeling of protein sequence and biophysical properties (such as structural, functional, and spatial information, amino acid conservation, physicochemical variation, residue mobility, and thermodynamic stability) has been performed for this missense variant. However, the output from this modeling did not meet the statistical confidence thresholds required to predict the impact of this variant on SOX9 protein function. In summary, the available evidence is currently insufficient to determine the role of this variant in disease. Therefore, it has been classified as a Variant of Uncertain Significance.

Ambry Genetics
Classification: Uncertain significance for Inborn genetic diseases. Last evaluated: 2023-02-14. Review status: criteria provided, single submitter. Criteria: Ambry Variant Classification Scheme 2023. Collection method: clinical testing. Allele origin: germline.

NM_000346.4(SOX9):c.1441G>A (p.Ala481Thr)

Gene: SOX9 (SRY-box transcription factor 9; plus strand). Cytogenetic location: 17q24.3.
Variant type: single nucleotide variant.
Coding change: c.1441G>A on transcript NM_000346.4 (MANE Select); coding-DNA position 1441, G replaced by A.
Protein change: p.Ala481Thr; replaces alanine 481 with threonine.
Molecular consequence: missense variant.
Genome position (GRCh38, 1-based): chr17:72,124,298, G>A. VCF-style: chr17-72124298-G-A. GRCh37 (hg19) VCF-style: chr17-70120439-G-A.
Other names: short protein forms A481T.
Identifiers: ClinVar variation 3167829 (VCV003167829.2), dbSNP rs1348267601, ClinGen allele CA400868458.